The following is an entry in ClinVar:

ClinVar aggregate classification (germline): Uncertain significance (1 of 4 stars; one submission).

Submission:

GeneDx
Classification: Uncertain significance. Last evaluated: 2022-10-28. Review status: criteria provided, single submitter. Criteria: GeneDx Variant Classification Process June 2021. Collection method: clinical testing. Allele origin: germline. Affected: yes.
Comment: In silico analysis supports that this missense variant does not alter protein structure/function; Not observed at significant frequency in large population cohorts (gnomAD); Has not been previously published as pathogenic or benign to our knowledge; This variant is associated with the following publications: (PMID: 26100331, 25609763, 25512093)

NM_001376.5(DYNC1H1):c.2569A>G (p.Ile857Val)

Gene: DYNC1H1 (dynein cytoplasmic 1 heavy chain 1; plus strand). Cytogenetic location: 14q32.31.
Variant type: single nucleotide variant.
Coding change: c.2569A>G on transcript NM_001376.5 (MANE Select); coding-DNA position 2569, A replaced by G.
Protein change: p.Ile857Val; replaces isoleucine 857 with valine.
Molecular consequence: missense variant.
Genome position (GRCh38, 1-based): chr14:101,987,483, A>G. VCF-style: chr14-101987483-A-G. GRCh37 (hg19) VCF-style: chr14-102453820-A-G.
Other names: short protein forms I857V.
Identifiers: ClinVar variation 2500598 (VCV002500598.1), dbSNP rs2503698488, ClinGen allele CA391026871.